The following is an entry in ClinVar:

NM_181523.3(PIK3R1):c.308A>C (p.Lys103Thr)

Gene: PIK3R1 (phosphoinositide-3-kinase regulatory subunit 1; plus strand). Cytogenetic location: 5q13.1.
Variant type: single nucleotide variant.
Coding change: c.308A>C on transcript NM_181523.3 (MANE Select); coding-DNA position 308, A replaced by C.
Protein change: p.Lys103Thr; replaces lysine 103 with threonine.
Molecular consequence: missense variant.
Genome position (GRCh38, 1-based): chr5:68,226,983, A>C. VCF-style: chr5-68226983-A-C. GRCh37 (hg19) VCF-style: chr5-67522811-A-C.
Other names: short protein forms K103T.
Identifiers: ClinVar variation 3755936 (VCV003755936.2).

ClinVar aggregate classification (germline): Uncertain significance (1 of 4 stars; one submission).

Conditions:
Agammaglobulinemia 7, autosomal recessive (AGM7). Also called: AGAMMAGLOBULINEMIA, AUTOSOMAL RECESSIVE, DUE TO PIK3R1 DEFECT. Identifiers: MedGen C3554689, MONDO:0014083, OMIM 615214.
Immunodeficiency 36 with lymphoproliferation. Also called: Immunodeficiency 36; ACTIVATED PI3K-DELTA SYNDROME 2; Activated PI3K Delta Syndrome Type 2 (APDS2). Identifiers: Orphanet 397596, Orphanet 693681, MedGen C4014934, MONDO:0014453, OMIM 616005.
SHORT syndrome. Also called: SHORT STATURE, HYPEREXTENSIBILITY, HERNIA, OCULAR DEPRESSION, RIEGER ANOMALY, AND TEETHING DELAY; LIPODYSTROPHY, PARTIAL, WITH RIEGER ANOMALY AND SHORT STATURE; PIK3R1-Related SHORT Syndrome. Identifiers: Orphanet 3163, MedGen C0878684, MONDO:0010026, OMIM 269880.

Submission:

Labcorp Genetics (formerly Invitae), Labcorp
Classification: Uncertain significance for SHORT syndrome; Immunodeficiency 36 with lymphoproliferation; Agammaglobulinemia 7, autosomal recessive. Last evaluated: 2024-04-18. Review status: criteria provided, single submitter. Criteria: Invitae Variant Classification Sherloc (09022015). Collection method: clinical testing. Allele origin: germline.
Comment: This sequence change replaces lysine, which is basic and polar, with threonine, which is neutral and polar, at codon 103 of the PIK3R1 protein (p.Lys103Thr). This variant is not present in population databases (gnomAD no frequency). This variant has not been reported in the literature in individuals affected with PIK3R1-related conditions. Advanced modeling of protein sequence and biophysical properties (such as structural, functional, and spatial information, amino acid conservation, physicochemical variation, residue mobility, and thermodynamic stability) performed at Invitae indicates that this missense variant is not expected to disrupt PIK3R1 protein function with a negative predictive value of 80%. In summary, the available evidence is currently insufficient to determine the role of this variant in disease. Therefore, it has been classified as a Variant of Uncertain Significance.